The following is an entry in ClinVar:

ClinVar aggregate classification (germline): Likely pathogenic. Review status: criteria provided, multiple submitters, no conflicts (2 of 4 stars). 2 submissions from 2 submitters: Likely pathogenic (2). Last evaluated 2019-09-13.

Conditions:
Primary dilated cardiomyopathy (DCM). Also called: Dilated Cardiomyopathy. Identifiers: Orphanet 217604, MedGen C0007193, MeSH D002311, MONDO:0005021, HP:0001644. Inheritance: Various modes of inheritance.
TTN-related disorder. Also called: TTN-related disorders; TTN-related condition; TTN-related disease.

Submissions (2):

Blueprint Genetics
Classification: Likely pathogenic for TTN-related disorders. Last evaluated: 2019-09-13. Review status: criteria provided, single submitter. Criteria: ACMG Guidelines, 2015. Collection method: clinical testing. Allele origin: germline. Affected: yes. Observed: 1 variant allele.

Cardiovascular Biomedical Research Unit, Royal Brompton & Harefield NHS Foundation Trust
Classification: Likely pathogenic for Primary dilated cardiomyopathy. Last evaluated: 2014-10-08. Review status: criteria provided, single submitter. Criteria: Roberts et al. 2015. Collection method: research. Allele origin: germline. Inheritance: Autosomal dominant inheritance. Affected: yes. Observed: 1 variant allele. Study: Unselected DCM.
Comment: In the seven cohorts assessed, TTNtv were found in 14% of ambulant DCM, 22% end-stage or familial DCM, and 2% controls. Heterozygous nonsense, frameshift and canonical splice-disrupting variants found in constitutive and other highly utilised exons are highly likely to be pathogenic when identified in individuals with phenotypically confirmed DCM. TTNtv found incidentally in healthy individuals (excluding familial assessment of DCM relatives) are thought to have low penetrance, particularly when identified in exons that are not constitutively expressed in the heart.

NM_001267550.2(TTN):c.41447del (p.Gly13816fs)

Gene: TTN (titin; minus strand). Cytogenetic location: 2q31.2.
Variant type: Deletion.
Coding change: c.41447del on transcript NM_001267550.2 (MANE Select); coding-DNA position 41447, one base deleted (G; older notation c.41447delG).
Protein change: p.Gly13816fs; shifts the reading frame from glycine 13816.
Molecular consequence: frameshift variant.
Genome position (GRCh38, 1-based): chr2:178,636,124, C deleted on the plus strand (G on the coding strand, the reverse complement: TTN is on the minus strand); the first of 2 consecutive C bases (chr2:178,636,124-178,636,125); deleting either gives the same sequence. VCF-style (leftmost placement, unchanged base first): chr2-178636123-GC-G. GRCh37 (hg19) VCF-style: chr2-179500850-GC-G.
Other names: c.36524del, p.Gly12175fs (NM_001256850.1); c.14252del, p.Gly4751fs (NM_003319.4); c.33743del, p.Gly11248fs (NM_133378.4); c.14627del, p.Gly4876fs (NM_133432.3); c.14828del, p.Gly4943fs (NM_133437.4); c.41447delG (LRG_391t1); short protein forms G12175fs, G4751fs, G13816fs, G4876fs, G11248fs, G4943fs.
Identifiers: ClinVar variation 223273 (VCV000223273.2), dbSNP rs869312042, ClinGen allele CA353371.